The following is an entry in ClinVar:

ClinVar aggregate classification (germline): Uncertain significance (1 of 4 stars; one submission).

Submission:

Labcorp Genetics (formerly Invitae), Labcorp
Classification: Uncertain significance. Last evaluated: 2023-12-10. Review status: criteria provided, single submitter. Criteria: Invitae Variant Classification Sherloc (09022015). Collection method: clinical testing. Allele origin: germline.
Comment: This sequence change replaces leucine, which is neutral and non-polar, with methionine, which is neutral and non-polar, at codon 386 of the TNNI3K protein (p.Leu386Met). This variant is not present in population databases (gnomAD no frequency). This variant has not been reported in the literature in individuals affected with TNNI3K-related conditions. Advanced modeling of protein sequence and biophysical properties (such as structural, functional, and spatial information, amino acid conservation, physicochemical variation, residue mobility, and thermodynamic stability) performed at Invitae indicates that this missense variant is not expected to disrupt TNNI3K protein function with a negative predictive value of 80%. In summary, the available evidence is currently insufficient to determine the role of this variant in disease. Therefore, it has been classified as a Variant of Uncertain Significance.

NM_015978.3(TNNI3K):c.1156T>A (p.Leu386Met)

Genes: FPGT-TNNI3K (FPGT-TNNI3K readthrough; plus strand), TNNI3K (TNNI3 interacting kinase; plus strand). Cytogenetic location: 1p31.1.
Variant type: single nucleotide variant.
Coding change: c.1156T>A on transcript NM_015978.3 (MANE Select); coding-DNA position 1156, T replaced by A.
Protein change: p.Leu386Met; replaces leucine 386 with methionine.
Molecular consequence: missense variant.
Genome position (GRCh38, 1-based): chr1:74,354,108, T>A. VCF-style: chr1-74354108-T-A. GRCh37 (hg19) VCF-style: chr1-74819792-T-A.
Other names: c.1459T>A, p.Leu487Met (NM_001112808.3, NM_001199327.2); short protein forms L386M, L487M.
Identifiers: ClinVar variation 2866344 (VCV002866344.3), dbSNP rs2524413005, ClinGen allele CA340784545.